The following is an entry in ClinVar:

NM_001127511.3(APC):c.32C>A (p.Ala11Asp)

Gene: APC (APC regulator of Wnt signaling pathway; plus strand). Cytogenetic location: 5q22.2.
Variant type: single nucleotide variant.
Coding change: c.32C>A on transcript NM_001127511.3; coding-DNA position 32, C replaced by A.
Protein change: p.Ala11Asp; replaces alanine 11 with aspartic acid.
Molecular consequence: missense variant. On other transcripts: 5 prime UTR variant (8), non-coding transcript variant (1), intron variant (5).
Genome position (GRCh38, 1-based): chr5:112,707,749, C>A. VCF-style: chr5-112707749-C-A. GRCh37 (hg19) VCF-style: chr5-112043446-C-A.
Other names: c.-152C>A (NM_001354895.2, NM_001407447.1, NM_001407452.1 and 3 more transcripts); c.32C>A, p.Ala11Asp (NM_001354897.2, NM_001354902.2, NM_001407446.1); c.-1187C>A (NM_001407470.1, NM_001407472.1); c.-19+100C>A (NM_001407448.1, NM_001407450.1, NM_001407457.1 and 1 more transcripts); c.-43+100C>A (NM_001407453.1); short protein forms A11D.
Identifiers: ClinVar variation 1051308 (VCV001051308.9), dbSNP rs1750604701, ClinGen allele CA360611690.

ClinVar aggregate classification (germline): Uncertain significance (1 of 4 stars; one submission).

Conditions:
Familial adenomatous polyposis 1 (FAP1). Also called: FAMILIAL ADENOMATOUS POLYPOSIS 1, ATTENUATED; POLYPOSIS, ADENOMATOUS INTESTINAL. Identifiers: MedGen C2713442, MONDO:0021056, OMIM 175100. Disease mechanism: loss of function.

Submission:

Labcorp Genetics (formerly Invitae), Labcorp
Classification: Uncertain significance for Familial adenomatous polyposis 1. Last evaluated: 2024-12-08. Review status: criteria provided, single submitter. Criteria: Invitae Variant Classification Sherloc (09022015). Collection method: clinical testing. Allele origin: germline.
Comment: This variant occurs in a non-coding region of the APC gene. It does not change the encoded amino acid sequence of the APC protein. This variant is not present in population databases (gnomAD no frequency). This variant has not been reported in the literature in individuals affected with APC-related conditions. Experimental studies and prediction algorithms are not available or were not evaluated, and the functional significance of this variant is currently unknown. In summary, the available evidence is currently insufficient to determine the role of this variant in disease. Therefore, it has been classified as a Variant of Uncertain Significance.